The following is an entry in ClinVar:

NM_002439.5(MSH3):c.2201G>A (p.Arg734Gln)

Gene: MSH3 (mutS homolog 3; plus strand). Cytogenetic location: 5q14.1.
Variant type: single nucleotide variant.
Coding change: c.2201G>A on transcript NM_002439.5 (MANE Select); coding-DNA position 2201, G replaced by A.
Protein change: p.Arg734Gln; replaces arginine 734 with glutamine.
Molecular consequence: missense variant.
Genome position (GRCh38, 1-based): chr5:80,768,951, G>A. VCF-style: chr5-80768951-G-A. GRCh37 (hg19) VCF-style: chr5-80064770-G-A.
Other names: c.2201G>A (NM_002439.4); short protein forms R734Q.
Identifiers: ClinVar variation 1008341 (VCV001008341.12), dbSNP rs1261908217, ClinGen allele CA360279617.

ClinVar aggregate classification (germline): Uncertain significance. Review status: criteria provided, multiple submitters, no conflicts (2 of 4 stars). 3 submissions from 3 submitters: Uncertain significance (3). Last evaluated 2025-12-31.

Conditions:
Hereditary cancer-predisposing syndrome. Also called: Tumor predisposition; Hereditary neoplastic syndrome; Neoplastic Syndromes, Hereditary; Hereditary Cancer Syndrome. Identifiers: Orphanet 140162, MedGen C0027672, MeSH D009386, MONDO:0015356.

Allele frequency attached by ClinVar (database versions not stated): gnomAD exomes below 0.00001.
gnomAD v4.1: 2 of 1,612,944 alleles (0.00012%); highest among the groups gnomAD compares: East Asian, 0.0022%; no homozygotes.

Submissions (3):

Labcorp Genetics (formerly Invitae), Labcorp
Classification: Uncertain significance. Last evaluated: 2025-12-31. Review status: criteria provided, single submitter. Criteria: Invitae Variant Classification Sherloc (09022015). Collection method: clinical testing. Allele origin: germline.
Comment: This sequence change replaces arginine, which is basic and polar, with glutamine, which is neutral and polar, at codon 734 of the MSH3 protein (p.Arg734Gln). This variant is present in population databases (no rsID available, gnomAD 0.006%). This variant has not been reported in the literature in individuals affected with MSH3-related conditions. ClinVar contains an entry for this variant (Variation ID: 1008341). An algorithm developed to predict the effect of missense changes on protein structure and function (PolyPhen-2) suggests that this variant is likely to be disruptive. In summary, the available evidence is currently insufficient to determine the role of this variant in disease. Therefore, it has been classified as a Variant of Uncertain Significance.

GeneDx
Classification: Uncertain significance. Last evaluated: 2025-01-23. Review status: criteria provided, single submitter. Criteria: GeneDx Variant Classification Process June 2021. Collection method: clinical testing. Allele origin: germline. Affected: yes.
Comment: Not observed at significant frequency in large population cohorts (gnomAD); In silico analysis indicates that this missense variant does not alter protein structure/function; Has not been previously published as pathogenic or benign to our knowledge; This variant is associated with the following publications: (PMID: 32650224)

Ambry Genetics
Classification: Uncertain significance for Hereditary cancer-predisposing syndrome. Last evaluated: 2023-11-14. Review status: criteria provided, single submitter. Criteria: Ambry Variant Classification Scheme 2023. Collection method: clinical testing. Allele origin: germline.
Comment: The p.R734Q variant (also known as c.2201G>A), located in coding exon 15 of the MSH3 gene, results from a G to A substitution at nucleotide position 2201. The arginine at codon 734 is replaced by glutamine, an amino acid with highly similar properties. This amino acid position is highly conserved in available vertebrate species. In addition, the in silico prediction for this alteration is inconclusive. Since supporting evidence is limited at this time, the clinical significance of this alteration remains unclear.